The following is an entry in ClinVar:

ClinVar aggregate classification (germline): not provided (0 of 4 stars; one submission).

Allele frequency attached by ClinVar (database versions not stated): gnomAD 0.00001.
gnomAD v4.1: 1 of 152,392 alleles (0.00066%); highest among the groups gnomAD compares: Non-Finnish European, 0.0015%; no homozygotes.

Submission:

Human Evolutionary Genetics, Institut Pasteur
No classification provided. Review status: no classification provided. Collection method: not provided. Allele origin: germline.
ClinVar note: Converted during submission from untested to not provided.

NM_001370466.1(NOD2):c.-9+2758A>G

Gene: NOD2 (nucleotide binding oligomerization domain containing 2; plus strand). Cytogenetic location: 16q12.1.
Variant type: single nucleotide variant.
Coding change: c.-9+2758A>G on transcript NM_001370466.1 (MANE Select); 2758 bases into the intron after 9 bases upstream of the start codon, A replaced by G.
Molecular consequence: intron variant.
Genome position (GRCh38, 1-based): chr16:50,696,420, A>G. VCF-style: chr16-50696420-A-G. GRCh37 (hg19) VCF-style: chr16-50730331-A-G.
Identifiers: ClinVar variation 102969 (VCV000102969.2), dbSNP rs199475906, ClinGen allele CA229935.
Genomic context (GRCh38, chr16:50,696,420, plus strand): 5'-TACATGGGCCTCACCTTGGGGAGGACAATGGTGTCTTTGAAGTTGTAGTAACTGAAGTAG[A>G]GATCAAAAGGCAATGCAGATAGACTGACAGATTTCGCCTGAAGAGGGGAAGCCCGACCAG-3'